The following is an entry in ClinVar:

NM_006415.4(SPTLC1):c.689A>C (p.Lys230Thr)

Gene: SPTLC1 (serine palmitoyltransferase long chain base subunit 1; minus strand). Cytogenetic location: 9q22.31.
Variant type: single nucleotide variant.
Coding change: c.689A>C on transcript NM_006415.4 (MANE Select); coding-DNA position 689, A replaced by C.
Protein change: p.Lys230Thr; replaces lysine 230 with threonine.
Molecular consequence: missense variant.
Genome position (GRCh38, 1-based): chr9:92,059,180, T>G on the plus strand (A>C on the coding strand, the complement: SPTLC1 is on the minus strand). VCF-style: chr9-92059180-T-G. GRCh37 (hg19) VCF-style: chr9-94821462-T-G.
Other names: c.689A>C, p.Lys230Thr (NM_001281303.2); c.323A>C, p.Lys108Thr (NM_001368272.1); c.224A>C, p.Lys75Thr (NM_001368273.1); short protein forms K108T, K230T, K75T.
Identifiers: ClinVar variation 1695675 (VCV001695675.6), dbSNP rs1834001003, ClinGen allele CA373795477.

ClinVar aggregate classification (germline): Uncertain significance. Review status: criteria provided, multiple submitters, no conflicts (2 of 4 stars). 2 submissions from 2 submitters: Uncertain significance (2). Last evaluated 2026-09-01.

Conditions:
Inborn genetic diseases. Identifiers: MedGen C0950123, MeSH D030342.

gnomAD v4.1: 1 of 1,613,504 alleles (0.000062%); highest among the groups gnomAD compares: Non-Finnish European, 0.000085%; no homozygotes.

Submissions (2):

Ambry Genetics
Classification: Uncertain significance for Inborn genetic diseases. Last evaluated: 2026-09-01. Review status: criteria provided, single submitter. Criteria: Ambry Variant Classification Scheme 2023. Collection method: clinical testing. Allele origin: germline.
Comment: The c.689A>C (p.K230T) alteration is located in exon 7 (coding exon 7) of the SPTLC1 gene. This alteration results from an A to C substitution at nucleotide position 689, causing the lysine (K) at amino acid position 230 to be replaced by a threonine (T). This variant was not reported in population-based cohorts in the Genome Aggregation Database (gnomAD). This amino acid position is highly conserved in available vertebrate species. The in silico prediction for this alteration is inconclusive. Based on insufficient or conflicting evidence, the clinical significance of this alteration remains unclear.

GeneDx
Classification: Uncertain significance. Last evaluated: 2022-01-06. Review status: criteria provided, single submitter. Criteria: GeneDx Variant Classification Process June 2021. Collection method: clinical testing. Allele origin: germline. Affected: yes.
Comment: Not observed at significant frequency in large population cohorts (gnomAD); In silico analysis supports that this missense variant has a deleterious effect on protein structure/function; Has not been previously published as pathogenic or benign to our knowledge